The following is an entry in ClinVar:

ClinVar aggregate classification (germline): Uncertain significance (1 of 4 stars; one submission).

Conditions:
Neurofibromatosis, type 1 (NF1). Also called: Neurofibromatosis, type I; VON RECKLINGHAUSEN DISEASE; NEUROFIBROMATOSIS, TYPE I, SOMATIC; Peripheral type neurofibromatosis. Identifiers: Orphanet 636, MedGen C0027831, MONDO:0018975, OMIM 162200. Disease mechanism: loss of function.

Submission:

Labcorp Genetics (formerly Invitae), Labcorp
Classification: Uncertain significance for Neurofibromatosis, type 1. Last evaluated: 2022-10-02. Review status: criteria provided, single submitter. Criteria: Invitae Variant Classification Sherloc (09022015). Collection method: clinical testing. Allele origin: germline.
Comment: In summary, the available evidence is currently insufficient to determine the role of this variant in disease. Therefore, it has been classified as a Variant of Uncertain Significance. Advanced modeling of protein sequence and biophysical properties (such as structural, functional, and spatial information, amino acid conservation, physicochemical variation, residue mobility, and thermodynamic stability) performed at Invitae indicates that this missense variant is not expected to disrupt NF1 protein function. This variant has not been reported in the literature in individuals affected with NF1-related conditions. This variant is not present in population databases (gnomAD no frequency). This sequence change replaces isoleucine, which is neutral and non-polar, with valine, which is neutral and non-polar, at codon 2718 of the NF1 protein (p.Ile2718Val).

NM_001042492.3(NF1):c.8215A>G (p.Ile2739Val)

Gene: NF1 (neurofibromin 1; plus strand). Cytogenetic location: 17q11.2.
Variant type: single nucleotide variant.
Coding change: c.8215A>G on transcript NM_001042492.3 (MANE Select); coding-DNA position 8215, A replaced by G.
Protein change: p.Ile2739Val; replaces isoleucine 2739 with valine.
Molecular consequence: missense variant.
Genome position (GRCh38, 1-based): chr17:31,360,541, A>G. VCF-style: chr17-31360541-A-G. GRCh37 (hg19) VCF-style: chr17-29687559-A-G.
Other names: c.8152A>G, p.Ile2718Val (NM_000267.4); short protein forms I2718V, I2739V.
Identifiers: ClinVar variation 1720817 (VCV001720817.5), dbSNP rs2508842877, ClinGen allele CA399204552.